The following is an entry in ClinVar:

ClinVar aggregate classification (germline): Uncertain significance (1 of 4 stars; one submission).

Conditions:
Catecholaminergic polymorphic ventricular tachycardia 1. Also called: RYR2-Related Catecholaminergic Polymorphic Ventricular Tachycardia; VENTRICULAR TACHYCARDIA, STRESS-INDUCED POLYMORPHIC 1; VENTRICULAR TACHYCARDIA, CATECHOLAMINERGIC POLYMORPHIC, 1, WITH OR WITHOUT ATRIAL DYSFUNCTION AND/OR DILATED CARDIOMYOPATHY. Identifiers: Orphanet 3286, MedGen C1631597, MONDO:0011484, OMIM 604772.

Submission:

Labcorp Genetics (formerly Invitae), Labcorp
Classification: Uncertain significance for Catecholaminergic polymorphic ventricular tachycardia 1. Last evaluated: 2022-03-26. Review status: criteria provided, single submitter. Criteria: Invitae Variant Classification Sherloc (09022015). Collection method: clinical testing. Allele origin: germline.
Comment: This sequence change replaces proline, which is neutral and non-polar, with leucine, which is neutral and non-polar, at codon 708 of the TRDN protein (p.Pro708Leu). In summary, the available evidence is currently insufficient to determine the role of this variant in disease. Therefore, it has been classified as a Variant of Uncertain Significance. Algorithms developed to predict the effect of missense changes on protein structure and function are either unavailable or do not agree on the potential impact of this missense change (SIFT: "Deleterious"; PolyPhen-2: "Probably Damaging"; Align-GVGD: "Class C0"). This variant has not been reported in the literature in individuals affected with TRDN-related conditions. This variant is not present in population databases (gnomAD no frequency).

NM_006073.4(TRDN):c.2123C>T (p.Pro708Leu)

Gene: TRDN (triadin; minus strand). Cytogenetic location: 6q22.31.
Variant type: single nucleotide variant.
Coding change: c.2123C>T on transcript NM_006073.4 (MANE Select); coding-DNA position 2123, C replaced by T.
Protein change: p.Pro708Leu; replaces proline 708 with leucine.
Molecular consequence: missense variant.
Genome position (GRCh38, 1-based): chr6:123,218,668, G>A on the plus strand (C>T on the coding strand, the complement: TRDN is on the minus strand). VCF-style: chr6-123218668-G-A. GRCh37 (hg19) VCF-style: chr6-123539813-G-A.
Other names: short protein forms P708L.
Identifiers: ClinVar variation 2069929 (VCV002069929.4), dbSNP rs2534836179, ClinGen allele CA365564534.